The following is an entry in ClinVar:

ClinVar aggregate classification (germline): Uncertain significance. Review status: criteria provided, multiple submitters, no conflicts (2 of 4 stars). 2 submissions from 2 submitters: Uncertain significance (2). Last evaluated 2026-01-14.

Conditions:
Inborn genetic diseases. Identifiers: MedGen C0950123, MeSH D030342.
Familial episodic pain syndrome with predominantly lower limb involvement. Also called: Episodic pain syndrome, familial, 3. Identifiers: Orphanet 391384, Orphanet 391392, MedGen C3809899, MONDO:0014247, OMIM 615552.
Hereditary sensory and autonomic neuropathy type 7. Also called: Neuropathy, hereditary sensory and autonomic, type VII; HSAN VII. Identifiers: Orphanet 391397, MedGen C3809882, MONDO:0014244, OMIM 615548.

Allele frequency attached by ClinVar (database versions not stated): gnomAD exomes 0.00002 and 0.00005; TOPMed 0.00002; gnomAD 0.00004 and 0.00005; ExAC 0.00002.
gnomAD v4.1: 83 of 1,614,084 alleles (0.0051%); highest among the groups gnomAD compares: Non-Finnish European, 0.0068%; no homozygotes.

Submissions (2):

Labcorp Genetics (formerly Invitae), Labcorp
Classification: Uncertain significance for Familial episodic pain syndrome with predominantly lower limb involvement; Hereditary sensory and autonomic neuropathy type 7. Last evaluated: 2026-01-14. Review status: criteria provided, single submitter. Criteria: Invitae Variant Classification Sherloc (09022015). Collection method: clinical testing. Allele origin: germline.
Comment: This sequence change replaces methionine, which is neutral and non-polar, with isoleucine, which is neutral and non-polar, at codon 887 of the SCN11A protein (p.Met887Ile). This variant is present in population databases (rs570749658, gnomAD 0.003%). This variant has not been reported in the literature in individuals affected with SCN11A-related conditions. ClinVar contains an entry for this variant (Variation ID: 653821). An algorithm developed to predict the effect of missense changes on protein structure and function outputs the following: PolyPhen-2: "Benign". The isoleucine amino acid residue is found in multiple mammalian species, which suggests that this missense change does not adversely affect protein function. In summary, the available evidence is currently insufficient to determine the role of this variant in disease. Therefore, it has been classified as a Variant of Uncertain Significance.

Ambry Genetics
Classification: Uncertain significance for Inborn genetic diseases. Last evaluated: 2025-11-05. Review status: criteria provided, single submitter. Criteria: Ambry Variant Classification Scheme 2023. Collection method: clinical testing. Allele origin: germline.

NM_001349253.2(SCN11A):c.2661G>A (p.Met887Ile)

Gene: SCN11A (sodium voltage-gated channel alpha subunit 11; minus strand). Cytogenetic location: 3p22.2.
Variant type: single nucleotide variant.
Coding change: c.2661G>A on transcript NM_001349253.2 (MANE Select); coding-DNA position 2661, G replaced by A.
Protein change: p.Met887Ile; replaces methionine 887 with isoleucine.
Molecular consequence: missense variant.
Genome position (GRCh38, 1-based): chr3:38,894,707, C>T on the plus strand (G>A on the coding strand, the complement: SCN11A is on the minus strand). VCF-style: chr3-38894707-C-T. GRCh37 (hg19) VCF-style: chr3-38936198-C-T.
Other names: c.2661G>A, p.Met887Ile (NM_014139.3); short protein forms M887I.
Identifiers: ClinVar variation 653821 (VCV000653821.8), dbSNP rs570749658, ClinGen allele CA2321995.